The following is an entry in ClinVar:

NM_000256.3(MYBPC3):c.3137C>T (p.Thr1046Met)

Gene: MYBPC3 (myosin binding protein C3; minus strand). Cytogenetic location: 11p11.2.
Variant type: single nucleotide variant.
Coding change: c.3137C>T on transcript NM_000256.3 (MANE Select); coding-DNA position 3137, C replaced by T.
Protein change: p.Thr1046Met; replaces threonine 1046 with methionine.
Molecular consequence: missense variant.
Genome position (GRCh38, 1-based): chr11:47,333,610, G>A on the plus strand (C>T on the coding strand, the complement: MYBPC3 is on the minus strand). VCF-style: chr11-47333610-G-A. GRCh37 (hg19) VCF-style: chr11-47355161-G-A.
Other names: p.T1046M:ACG>ATG; short protein forms T1046M.
Identifiers: ClinVar variation 161301 (VCV000161301.27), dbSNP rs371061770, ClinGen allele CA013532.

ClinVar aggregate classification (germline): Conflicting classifications of pathogenicity. Review status: criteria provided, conflicting classifications (1 of 4 stars). 8 submissions from 8 submitters: Uncertain significance (3); Likely benign (4). 1 of the submissions does not count toward it. Last evaluated 2025-11-12.

Conditions:
Cardiovascular phenotype. Identifiers: MedGen CN230736.
Cardiomyopathy (CMYO). Also called: Cardiomyopathies. Identifiers: Orphanet 167848, MedGen C0878544, MONDO:0004994, HP:0001638. Inheritance: Various modes of inheritance.
Primary familial hypertrophic cardiomyopathy (HCM). Identifiers: Orphanet 99739, MedGen C0949658, MeSH D024741, MONDO:0024573. Inheritance: Various modes of inheritance.
Hypertrophic cardiomyopathy. Also called: HYPERTROPHIC MYOCARDIOPATHY. Identifiers: Orphanet 217569, MedGen C0007194, MeSH D002312, MONDO:0005045, HP:0001639.

Allele frequency attached by ClinVar (database versions not stated): TOPMed 0.00003; gnomAD 0.00004 and 0.00007; ExAC 0.00006; gnomAD exomes 0.00007 and 0.00015; ESP Exome Variant Server 0.00008; 1000 Genomes Project 30x 0.00016; 1000 Genomes Project 0.00040.
gnomAD v4.1: 225 of 1,604,248 alleles (0.014%); highest among the groups gnomAD compares: East Asian, 0.44%; 1 homozygote.

Submissions (8):

Labcorp Genetics (formerly Invitae), Labcorp
Classification: Likely benign for Hypertrophic cardiomyopathy. Last evaluated: 2025-11-12. Review status: criteria provided, single submitter. Criteria: Invitae Variant Classification Sherloc (09022015). Collection method: clinical testing. Allele origin: germline.

Blueprint Genetics
Classification: Likely benign. Last evaluated: 2024-04-16. Review status: criteria provided, single submitter. Criteria: ACMG Guidelines, 2015. Collection method: clinical testing. Allele origin: germline.

Color Diagnostics, LLC DBA Color Health
Classification: Uncertain significance for Cardiomyopathy. Last evaluated: 2024-04-15. Review status: criteria provided, single submitter. Criteria: ACMG Guidelines, 2015. Collection method: clinical testing. Allele origin: germline.
Comment: This missense variant replaces threonine with methionine at codon 1046 of the MYBPC3 protein. Computational prediction tools indicate that this variant has a neutral impact on protein structure and function. To our knowledge, functional studies have not been reported for this variant. This variant has been reported in individuals affected with hypertrophic cardiomyopathy (PMID: 18929575, 22560514, 32841044, 33495596, 33658040). One of these individuals also carried a likely pathogenic variant in the TNNI3 gene (PMID: 33658040). This variant has also been reported in one individual with abnormal findings on electrocardiography (PMID: 26178432) and in one individual affected with sudden unexplained death (PMID: 27005929). This variant has been identified in 16/242472 chromosomes in the general population by the Genome Aggregation Database (gnomAD). The elevated variant allele frequency in the general population indicates that this variant may not be disease-causing. However, additional studies are necessary to determine the role of this variant in disease conclusively. Therefore, this variant is classified as a Variant of Uncertain Significance.

All of Us Research Program, National Institutes of Health
Classification: Uncertain significance for Hypertrophic cardiomyopathy. Last evaluated: 2024-01-11. Review status: criteria provided, single submitter. Criteria: ACMG Guidelines, 2015. Collection method: clinical testing. Allele origin: germline. Inheritance: Autosomal dominant inheritance. Observed: 10 variant alleles, 10 heterozygotes.
Comment: This missense variant replaces threonine with methionine at codon 1046 of the MYBPC3 protein. Computational prediction suggests that this variant may not impact protein structure and function (internally defined REVEL score threshold <= 0.5, PMID: 27666373). To our knowledge, functional studies have not been performed for this variant. This variant has also been identified in 16/242472 chromosomes (12/17958 East Asian chromosomes) in the general population by the Genome Aggregation Database (gnomAD). The available evidence is insufficient to determine the role of this variant in disease conclusively. Therefore, this variant is classified as a Variant of Uncertain Significance.

This study involves interpretation of variants in research participants for the purpose of population health screening. Participant phenotype was not available at the time of variant classification. Additional details can be found in publication PMID: 35346344, PMCID: PMC8962531

GeneDx
Classification: Uncertain significance. Last evaluated: 2023-10-03. Review status: criteria provided, single submitter. Criteria: GeneDx Variant Classification Process June 2021. Collection method: clinical testing. Allele origin: germline. Affected: yes.
Comment: Identified in patients with HCM, abnormal ECG findings, and/or sudden death (PMID: 17560888, 18929575, 22560514, 33658040, 29398688); several patients harbored additional cardiogenetic variants; A published functional study suggests the p.(T1046M) variant results in similar protein levels compared to wildtype (PMID: 18929575); In silico analysis supports that this missense variant does not alter protein structure/function; This variant is associated with the following publications: (PMID: 24510615, 14638934, 17560888, 22560514, 23299917, 26178432, 21415409, 25637381, 33561224, 33658040, 18929575, 30959811, 29398688)

Ambry Genetics
Classification: Likely benign for Cardiovascular phenotype. Last evaluated: 2021-08-04. Review status: criteria provided, single submitter. Criteria: Ambry Variant Classification Scheme 2023. Collection method: clinical testing. Allele origin: germline.

Laboratory for Molecular Medicine, Mass General Brigham Personalized Medicine
Classification: Likely benign. Last evaluated: 2014-12-16. Review status: criteria provided, single submitter. Criteria: LMM Criteria. Collection method: clinical testing. Allele origin: germline. Observed: 1 variant allele.
Comment: p.Thr1046Met variant in exon 29 of MYBPC3: This variant is not expected to have clinical significance because the threonine (Thr) at position 1046 is not conser ved in mammals or evolutionarily distant species. Of note, 5 mammals (macaque, cat, dog, panda, and cape golden mole) have a methionine (Met) at this position despite high nearby amino acid conservation. Moreover, this variant was predicte d to be benign using a computational tool clinically validated by our laboratory . This tool's benign prediction is estimated to be correct 89% of the time (Jord an 2011).

CSER _CC_NCGL, University of Washington
Classification: Likely pathogenic for Cardiomyopathy, hypertrophic. Last evaluated: 2014-06-01. Review status: no assertion criteria provided. Collection method: research. Allele origin: germline. Inheritance: Autosomal dominant inheritance. Study: ESP 6500 variant annotation. Not counted in ClinVar's aggregate classification.
Comment: Variants classified for the Actionable exomic incidental findings in 6503 participants: challenges of variant classification manuscript

Literature cited by the submitters: PubMed 18929575 (cited by 4 submitters); PubMed 22560514 (cited by 4 submitters); PubMed 26178432 (cited by 3 submitters); PubMed 27005929 (cited by Color Diagnostics, LLC DBA Color Health and Ambry Genetics); PubMed 32841044 (cited by Color Diagnostics, LLC DBA Color Health); PubMed 33495596 (cited by Color Diagnostics, LLC DBA Color Health); PubMed 33658040 (cited by Color Diagnostics, LLC DBA Color Health); PubMed 17560888 (cited by Ambry Genetics and Laboratory for Molecular Medicine, Mass General Brigham Personalized Medicine); PubMed 23299917 (cited by Ambry Genetics); PubMed 24510615 (cited by Ambry Genetics and Laboratory for Molecular Medicine, Mass General Brigham Personalized Medicine); PubMed 27135274 (cited by Ambry Genetics); PubMed 29398688 (cited by Ambry Genetics); PubMed 30959811 (cited by Ambry Genetics); PubMed 31677916 (cited by Ambry Genetics).